The following is an entry in ClinVar:

NM_003183.6(ADAM17):c.958-9C>G

Gene: ADAM17 (ADAM metallopeptidase domain 17; minus strand). Cytogenetic location: 2p25.1.
Variant type: single nucleotide variant.
Coding change: c.958-9C>G on transcript NM_003183.6 (MANE Select); 9 bases into the intron before coding-DNA position 958, C replaced by G.
Molecular consequence: intron variant.
Genome position (GRCh38, 1-based): chr2:9,518,256, G>C on the plus strand (C>G on the coding strand, the complement: ADAM17 is on the minus strand). VCF-style: chr2-9518256-G-C. GRCh37 (hg19) VCF-style: chr2-9658385-G-C.
Other names: c.298-9C>G (NM_001382777.1); c.61-9C>G (NM_001382778.1).
Identifiers: ClinVar variation 3033445 (VCV003033445.2), dbSNP rs762225265, ClinGen allele CA1523608.

ClinVar aggregate classification (germline): Likely benign (0 of 4 stars; one submission).

Conditions:
ADAM17-related disorder. Also called: ADAM17-related condition.

Submission:

PreventionGenetics, part of Exact Sciences
Classification: Likely benign for ADAM17-related condition. Last evaluated: 2019-06-06. Review status: no assertion criteria provided. Collection method: clinical testing. Allele origin: germline.
Comment: This variant is classified as likely benign based on ACMG/AMP sequence variant interpretation guidelines (Richards et al. 2015 PMID: 25741868, with internal and published modifications).